The following is an entry in ClinVar:

NM_000169.3(GLA):c.138C>A (p.His46Gln)

Genes: GLA (galactosidase alpha; minus strand), RPL36A-HNRNPH2 (RPL36A-HNRNPH2 readthrough; plus strand). Cytogenetic location: Xq22.1.
Variant type: single nucleotide variant.
Coding change: c.138C>A on transcript NM_000169.3 (MANE Select); coding-DNA position 138, C replaced by A.
Protein change: p.His46Gln; replaces histidine 46 with glutamine.
Molecular consequence: missense variant. On other transcripts: non-coding transcript variant (3), intron variant (2).
Genome position (GRCh38, 1-based): chrX:101,407,766, G>T on the plus strand (C>A on the coding strand, the complement: GLA is on the minus strand). VCF-style: chrX-101407766-G-T. GRCh37 (hg19) VCF-style: chrX-100662754-G-T.
Other names: c.138C>A, p.His46Gln (NM_001406747.1, NM_001406748.1, NM_001406749.1); c.301-4170G>T (NM_001199973.2); c.178-4170G>T (NM_001199974.2); short protein forms H46Q.
Identifiers: ClinVar variation 4087676 (VCV004087676.2).
Genomic context (GRCh38, chrX:101,407,766, plus strand): 5'-ATACCTGATGCAGGAATCTGGCTCTTCCTGGCAGTCAAGGTTGCACATGAAGCGCTCCCA[G>T]TGCAGCCAGCCCATGGTAGGCGTCCTTGCCAATCCATTGTCCAGTGCTCTAGCCCCAGGG-3'
Protein context (NP_000160.1, residues 36-56): LARTPTMGWL[His46Gln]WERFMCNLDC

ClinVar aggregate classification (germline): Uncertain significance (1 of 4 stars; one submission).

Conditions:
Fabry disease. Also called: ALPHA-GALACTOSIDASE A DEFICIENCY; ANDERSON-FABRY DISEASE; CERAMIDE TRIHEXOSIDASE DEFICIENCY; GLA DEFICIENCY; HEREDITARY DYSTOPIC LIPIDOSIS; Angiokeratoma corporis diffusum. Identifiers: Orphanet 324, MedGen C0002986, MONDO:0010526, OMIM 301500, HP:0001071. Disease mechanism: Fabry disease is due to inactivating mutations in the X-linked GLA gene resulting in deficiency of the enzyme Alpha Galactosidase-A., loss of function.

Submission:

Genomenon, Inc
Classification: Uncertain significance for Fabry disease. Last evaluated: 2026-09-08. Review status: criteria provided, single submitter. Criteria: Genomenon Sequence Variant Interpretation Standards - Updated. Collection method: curation. Allele origin: germline. Affected: no.
Comment: GLA p.His46Gln (c.138C>A) is a missense variant that changes the amino acid at codon 46 from Histidine to Glutamine. This variant has been reported in the published literature (PMID:37937352). This variant is located in a mutational hotspot and/or important functional domain. It is absent or not present at a significant frequency in gnomAD. In silico models predict that this variant is possibly or probably damaging. In conclusion, we classify GLA p.His46Gln (c.138C>A) as a variant of uncertain significance.

Literature cited by the submitters: PubMed 37937352.